The following is an entry in ClinVar:

NM_000548.5(TSC2):c.567T>A (p.Cys189Ter)

Gene: TSC2 (TSC complex subunit 2; plus strand). Cytogenetic location: 16p13.3.
Variant type: single nucleotide variant.
Coding change: c.567T>A on transcript NM_000548.5 (MANE Select); coding-DNA position 567, T replaced by A.
Protein change: p.Cys189Ter; replaces cysteine 189 with a stop codon.
Molecular consequence: nonsense. On other transcripts: intron variant (1).
Genome position (GRCh38, 1-based): chr16:2,055,487, T>A. VCF-style: chr16-2055487-T-A. GRCh37 (hg19) VCF-style: chr16-2105488-T-A.
Other names: c.567T>A, p.Cys189Ter (NM_021055.3, NM_001077183.3, NM_001114382.3 and 3 more transcripts); c.-1-709T>A (NM_001318831.2); c.456T>A, p.Cys152Ter (NM_001318827.2); c.420T>A, p.Cys140Ter (NM_001318829.2); c.600T>A, p.Cys200Ter (NM_001318832.2); short protein forms C189*, C200*, C140*, C152*.
Identifiers: ClinVar variation 839179 (VCV000839179.9), dbSNP rs2085669104, ClinGen allele CA394309631.

ClinVar aggregate classification (germline): Pathogenic (1 of 4 stars; one submission).

Conditions:
Tuberous sclerosis 2 (TSC2). Identifiers: Orphanet 805, MedGen C1860707, MONDO:0013199, OMIM 613254.

Submission:

Labcorp Genetics (formerly Invitae), Labcorp
Classification: Pathogenic for Tuberous sclerosis 2. Last evaluated: 2019-04-11. Review status: criteria provided, single submitter. Criteria: Invitae Variant Classification Sherloc (09022015). Collection method: clinical testing. Allele origin: germline.
Comment: This variant has been observed in individuals with diagnosis or suspicion of tuberous sclerosis complex (PMID: 25782670, Invitae), in at least one of whom it has been observed de novo. This sequence change creates a premature translational stop signal (p.Cys189*) in the TSC2 gene. It is expected to result in an absent or disrupted protein product. This variant is not present in population databases (ExAC no frequency). Loss-of-function variants in TSC2 are known to be pathogenic (PMID: 10205261, 17304050). For these reasons, this variant has been classified as Pathogenic.

Literature cited by the submitters: PubMed 25782670; PubMed 10205261; PubMed 17304050.